The following is an entry in ClinVar:

NM_022168.4(IFIH1):c.1885T>C (p.Phe629Leu)

Gene: IFIH1 (interferon induced with helicase C domain 1; minus strand). Cytogenetic location: 2q24.2.
Variant type: single nucleotide variant.
Coding change: c.1885T>C on transcript NM_022168.4 (MANE Select); coding-DNA position 1885, T replaced by C.
Protein change: p.Phe629Leu; replaces phenylalanine 629 with leucine.
Molecular consequence: missense variant.
Genome position (GRCh38, 1-based): chr2:162,277,574, A>G on the plus strand (T>C on the coding strand, the complement: IFIH1 is on the minus strand). VCF-style: chr2-162277574-A-G. GRCh37 (hg19) VCF-style: chr2-163134084-A-G.
Other names: short protein forms F629L.
Identifiers: ClinVar variation 1390401 (VCV001390401.7), dbSNP rs145818112, ClinGen allele CA59661169.
Genomic context (GRCh38, chr2:162,277,574, plus strand): 5'-CACCCTCATCACTATCATCTTCTATGACTGCAAACTTCTTATCTTTCTCTTCATTATAGA[A>G]AGTTTCAAGATGAGTATACGCATCTATCATTCGAATTGTGTCATTAATTTGTAGGGCCTC-3'
Protein context (NP_071451.2, residues 619-639): MIDAYTHLET[Phe629Leu]YNEEKDKKFA

ClinVar aggregate classification (germline): Uncertain significance. Review status: criteria provided, multiple submitters, no conflicts (2 of 4 stars). 2 submissions from 2 submitters: Uncertain significance (2). Last evaluated 2025-12-05.

Conditions:
Aicardi-Goutieres syndrome 7 (AGS7). Identifiers: Orphanet 51, MedGen C3888244, MONDO:0014367, OMIM 615846.
Singleton-Merten syndrome 1 (SGMRT1). Also called: Widened medullary cavities of bone, aortic calcification, abnormal dentition, and muscular weakness; Syndrome of widened medullary cavities of the metacarpals and phalanges, aortic calcification and abnormal dentition. Identifiers: Orphanet 85191, MedGen C4225427, MONDO:0024535, OMIM 182250.

Allele frequency attached by ClinVar (database versions not stated): ESP Exome Variant Server 0.00008.

Submissions (2):

Greenwood Genetic Center Diagnostic Laboratories, Greenwood Genetic Center
Classification: Uncertain significance. Last evaluated: 2025-12-05. Review status: criteria provided, single submitter. Criteria: ACMG Guidelines, 2015. Collection method: clinical testing. Allele origin: germline. Affected: yes.
Comment: PM2, PP3

Labcorp Genetics (formerly Invitae), Labcorp
Classification: Uncertain significance for Aicardi-Goutieres syndrome 7; Singleton-Merten syndrome 1. Last evaluated: 2021-09-10. Review status: criteria provided, single submitter. Criteria: Invitae Variant Classification Sherloc (09022015). Collection method: clinical testing. Allele origin: germline.
Comment: This sequence change replaces phenylalanine with leucine at codon 629 of the IFIH1 protein (p.Phe629Leu). The phenylalanine residue is moderately conserved and there is a small physicochemical difference between phenylalanine and leucine. This variant is not present in population databases (ExAC no frequency). This variant has not been reported in the literature in individuals affected with IFIH1-related conditions. Algorithms developed to predict the effect of missense changes on protein structure and function are either unavailable or do not agree on the potential impact of this missense change (SIFT: "Tolerated"; PolyPhen-2: "Probably Damaging"; Align-GVGD: "Class C0"). In summary, the available evidence is currently insufficient to determine the role of this variant in disease. Therefore, it has been classified as a Variant of Uncertain Significance.